The following is an entry in ClinVar:

NM_002180.3(IGHMBP2):c.1966T>C (p.Ser656Pro)

Gene: IGHMBP2 (immunoglobulin mu DNA binding protein 2; plus strand). Cytogenetic location: 11q13.3.
Variant type: single nucleotide variant.
Coding change: c.1966T>C on transcript NM_002180.3 (MANE Select); coding-DNA position 1966, T replaced by C.
Protein change: p.Ser656Pro; replaces serine 656 with proline.
Molecular consequence: missense variant.
Genome position (GRCh38, 1-based): chr11:68,936,446, T>C. VCF-style: chr11-68936446-T-C. GRCh37 (hg19) VCF-style: chr11-68703914-T-C.
Other names: short protein forms S656P.
Identifiers: ClinVar variation 656536 (VCV000656536.7), dbSNP rs755082503, ClinGen allele CA6153816.
Genomic context (GRCh38, chr11:68,936,446, plus strand): 5'-GTACGCACGGCCTTTGAGTATCTTGACGATATTGTCCCAGAAAACTATTCCCATGAGAAC[T>C]CCCAGGGTTCCAGCCACGCTGCCACCAAGCCCCAGGGACCTGCTACGTCCACCAGGACCG-3'
Protein context (NP_002171.2, residues 646-666): IVPENYSHEN[Ser656Pro]QGSSHAATKP

ClinVar aggregate classification (germline): Uncertain significance. Review status: criteria provided, multiple submitters, no conflicts (2 of 4 stars). 2 submissions from 2 submitters: Uncertain significance (2). Last evaluated 2025-10-06.

Conditions:
Inborn genetic diseases. Identifiers: MedGen C0950123, MeSH D030342.
Charcot-Marie-Tooth disease axonal type 2S. Also called: CHARCOT-MARIE-TOOTH NEUROPATHY, TYPE 2S; CHARCOT-MARIE-TOOTH DISEASE, AXONAL, AUTOSOMAL RECESSIVE, TYPE 2S. Identifiers: Orphanet 443073, MedGen C4015349, MONDO:0014511, OMIM 616155.
Autosomal recessive distal spinal muscular atrophy 1. Also called: SEVERE INFANTILE AXONAL NEUROPATHY WITH RESPIRATORY FAILURE; SPINAL MUSCULAR ATROPHY, DIAPHRAGMATIC; Spinal muscular atrophy with respiratory distress 1; HMN VI; NEURONOPATHY, DISTAL HEREDITARY MOTOR, HARDING TYPE VI; NEUROPATHY, DISTAL HEREDITARY MOTOR, AUTOSOMAL RECESSIVE 1. Identifiers: Orphanet 98920, MedGen C1858517, MONDO:0011436, OMIM 604320.

Allele frequency attached by ClinVar (database versions not stated): gnomAD exomes 0.00001 and 0.00002; TOPMed 0.00003; ExAC 0.00001; gnomAD 0.00003.
gnomAD v4.1: 17 of 1,613,798 alleles (0.0011%); highest among the groups gnomAD compares: African/African-American, 0.013%; no homozygotes.

Submissions (2):

Ambry Genetics
Classification: Uncertain significance for Inborn genetic diseases. Last evaluated: 2025-10-06. Review status: criteria provided, single submitter. Criteria: Ambry Variant Classification Scheme 2023. Collection method: clinical testing. Allele origin: germline.

Labcorp Genetics (formerly Invitae), Labcorp
Classification: Uncertain significance for Autosomal recessive distal spinal muscular atrophy 1; Charcot-Marie-Tooth disease axonal type 2S. Last evaluated: 2021-11-26. Review status: criteria provided, single submitter. Criteria: Invitae Variant Classification Sherloc (09022015). Collection method: clinical testing. Allele origin: germline.
Comment: This sequence change replaces serine, which is neutral and polar, with proline, which is neutral and non-polar, at codon 656 of the IGHMBP2 protein (p.Ser656Pro). This variant is present in population databases (rs755082503, gnomAD 0.02%). This variant has not been reported in the literature in individuals affected with IGHMBP2-related conditions. ClinVar contains an entry for this variant (Variation ID: 656536). Advanced modeling of protein sequence and biophysical properties (such as structural, functional, and spatial information, amino acid conservation, physicochemical variation, residue mobility, and thermodynamic stability) performed at Invitae indicates that this missense variant is not expected to disrupt IGHMBP2 protein function. In summary, the available evidence is currently insufficient to determine the role of this variant in disease. Therefore, it has been classified as a Variant of Uncertain Significance.